The following is an entry in ClinVar:

NM_001943.5(DSG2):c.3179G>C (p.Ser1060Thr)

Genes: DSG2 (desmoglein 2; plus strand), DSG2-AS1 (DSG2 antisense RNA 1; minus strand). Cytogenetic location: 18q12.1.
Variant type: single nucleotide variant.
Coding change: c.3179G>C on transcript NM_001943.5 (MANE Select); coding-DNA position 3179, G replaced by C.
Protein change: p.Ser1060Thr; replaces serine 1060 with threonine.
Molecular consequence: missense variant.
Genome position (GRCh38, 1-based): chr18:31,546,565, G>C. VCF-style: chr18-31546565-G-C. GRCh37 (hg19) VCF-style: chr18-29126528-G-C.
Other names: short protein forms S1060T.
Identifiers: ClinVar variation 4841655 (VCV004841655.1).

ClinVar aggregate classification (germline): Uncertain significance (1 of 4 stars; one submission).

Conditions:
Cardiovascular phenotype. Identifiers: MedGen CN230736.

Submission:

Ambry Genetics
Classification: Uncertain significance for Cardiovascular phenotype. Last evaluated: 2025-12-21. Review status: criteria provided, single submitter. Criteria: Ambry Variant Classification Scheme 2023. Collection method: clinical testing. Allele origin: germline.
Comment: The p.S1060T variant (also known as c.3179G>C), located in coding exon 15 of the DSG2 gene, results from a G to C substitution at nucleotide position 3179. The serine at codon 1060 is replaced by threonine, an amino acid with similar properties. This amino acid position is conserved. In addition, this alteration is predicted to be tolerated by in silico analysis. Based on the available evidence, the clinical significance of this variant remains unclear.